The following is an entry in ClinVar:

ClinVar aggregate classification (germline): Uncertain significance. Review status: criteria provided, multiple submitters, no conflicts (2 of 4 stars). 2 submissions from 2 submitters: Uncertain significance (2). Last evaluated 2024-09-15.

Conditions:
Hereditary breast ovarian cancer syndrome. Also called: Hereditary breast and/or ovarian cancer syndrome; BRCA1- and BRCA2-Associated Hereditary Breast and Ovarian Cancer; Hereditary breast and ovarian cancer; Hereditary breast and ovarian cancer syndrome; Hereditary breast and ovarian cancer syndrome (HBOC); Breast and ovarian cancer. Identifiers: Orphanet 145, MedGen C0677776, MeSH D061325, MONDO:0003582. Disease mechanism: loss of function.
Hereditary cancer-predisposing syndrome. Also called: Hereditary Cancer Syndrome; Neoplastic Syndromes, Hereditary; Tumor predisposition; Hereditary neoplastic syndrome. Identifiers: Orphanet 140162, MedGen C0027672, MeSH D009386, MONDO:0015356.

Submissions (2):

Ambry Genetics
Classification: Uncertain significance for Hereditary cancer-predisposing syndrome. Last evaluated: 2024-09-15. Review status: criteria provided, single submitter. Criteria: Ambry Variant Classification Scheme 2023. Collection method: clinical testing. Allele origin: germline.
Comment: The p.L134H variant (also known as c.401T>A), located in coding exon 3 of the BRCA2 gene, results from a T to A substitution at nucleotide position 401. The leucine at codon 134 is replaced by histidine, an amino acid with similar properties. This amino acid position is conserved. In addition, this alteration is predicted to be tolerated by in silico analysis. Based on the available evidence, the clinical significance of this variant remains unclear.

Labcorp Genetics (formerly Invitae), Labcorp
Classification: Uncertain significance for Hereditary breast ovarian cancer syndrome. Last evaluated: 2022-02-12. Review status: criteria provided, single submitter. Criteria: Invitae Variant Classification Sherloc (09022015). Collection method: clinical testing. Allele origin: germline.
Comment: This sequence change replaces leucine, which is neutral and non-polar, with histidine, which is basic and polar, at codon 134 of the BRCA2 protein (p.Leu134His). This variant is not present in population databases (gnomAD no frequency). This variant has not been reported in the literature in individuals affected with BRCA2-related conditions. Advanced modeling of protein sequence and biophysical properties (such as structural, functional, and spatial information, amino acid conservation, physicochemical variation, residue mobility, and thermodynamic stability) performed at Invitae indicates that this missense variant is not expected to disrupt BRCA2 protein function. In summary, the available evidence is currently insufficient to determine the role of this variant in disease. Therefore, it has been classified as a Variant of Uncertain Significance.

NM_000059.4(BRCA2):c.401T>A (p.Leu134His)

Gene: BRCA2 (BRCA2 DNA repair associated; plus strand). Cytogenetic location: 13q13.1.
Variant type: single nucleotide variant.
Coding change: c.401T>A on transcript NM_000059.4 (MANE Select); coding-DNA position 401, T replaced by A.
Protein change: p.Leu134His; replaces leucine 134 with histidine.
Molecular consequence: missense variant.
Genome position (GRCh38, 1-based): chr13:32,325,160, T>A. VCF-style: chr13-32325160-T-A. GRCh37 (hg19) VCF-style: chr13-32899297-T-A.
Other names: c.401T>A, p.Leu134His (NM_001406719.1, NM_001406720.1, NM_001406721.1); c.32T>A, p.Leu11His (NM_001406722.1); short protein forms L134H, L11H.
Identifiers: ClinVar variation 2185402 (VCV002185402.5), dbSNP rs2137446858, ClinGen allele CA387756712.